The following is an entry in ClinVar:

NM_016360.4(TACO1):c.421C>T (p.Arg141Ter)

Gene: TACO1 (translational activator of cytochrome c oxidase I; plus strand). Cytogenetic location: 17q23.3.
Variant type: single nucleotide variant.
Coding change: c.421C>T on transcript NM_016360.4 (MANE Select); coding-DNA position 421, C replaced by T.
Protein change: p.Arg141Ter; replaces arginine 141 with a stop codon.
Molecular consequence: nonsense.
Genome position (GRCh38, 1-based): chr17:63,606,346, C>T. VCF-style: chr17-63606346-C-T. GRCh37 (hg19) VCF-style: chr17-61683706-C-T.
Other names: short protein forms R141*.
Identifiers: ClinVar variation 982266 (VCV000982266.11), dbSNP rs765093638, ClinGen allele CA8702134.
Genomic context (GRCh38, chr17:63,606,346, plus strand): 5'-AAAATGTGCTTGTGTTGTTTATTGCAGAAATCCAAGGACACTTATTTGCTGTATGAGGGT[C>T]GAGGCCCTGGTGGCTCTTCTCTGCTCATCGAGGCATTATCTAACAGTAGCCACAAGTGCC-3'

ClinVar aggregate classification (germline): Pathogenic. Review status: criteria provided, multiple submitters, no conflicts (2 of 4 stars). 6 submissions from 6 submitters: Pathogenic (5). 1 of the submissions does not count toward it. Last evaluated 2025-07-10.

Conditions:
Mitochondrial complex IV deficiency, nuclear type 8. Also called: Mitochondrial complex 4 deficiency, nuclear type 8. Identifiers: MedGen C5436689, MONDO:0033638, OMIM 619052.
Inborn genetic diseases. Identifiers: MedGen C0950123, MeSH D030342.

Allele frequency attached by ClinVar (database versions not stated): gnomAD 0.00001 and 0.00002; ExAC 0.00001; gnomAD exomes 0.00001 and below 0.00001; TOPMed 0.00001.

Submissions (6):

Ambry Genetics
Classification: Pathogenic for Inborn genetic diseases. Last evaluated: 2025-07-10. Review status: criteria provided, single submitter. Criteria: Ambry Variant Classification Scheme 2023. Collection method: clinical testing. Allele origin: germline.
Comment: The c.421C>T (p.R141*) alteration, located in exon 3 (coding exon 3) of the TACO1 gene, consists of a C to T substitution at nucleotide position 421. This changes the amino acid from a arginine (R) to a stop codon at amino acid position 141. This alteration is expected to result in loss of function by premature protein truncation or nonsense-mediated mRNA decay. Based on data from gnomAD, the T allele has an overall frequency of <0.001% (1/251492) total alleles studied. The highest observed frequency was 0.001% (1/113768) of European (non-Finnish) alleles. This variant has been identified in the homozygous state in individuals from at least one family with features consistent with TACO1-related mitochondrial complex IV deficiency (Makrythanasis, 2014). Based on the available evidence, this alteration is classified as pathogenic.

First Genomix Gene Laboratory, Genetic Diagnostics Department
Classification: Pathogenic for Mitochondrial complex IV deficiency, nuclear type 8. Last evaluated: 2025-06-19. Review status: criteria provided, single submitter. Criteria: ACMG Guidelines, 2015. Collection method: clinical testing. Allele origin: germline. Inheritance: Autosomal recessive inheritance. Affected: no. Observed: 1 variant allele.

Fulgent Genetics
Classification: Pathogenic for Mitochondrial complex IV deficiency, nuclear type 8. Last evaluated: 2024-03-06. Review status: criteria provided, single submitter. Criteria: ACMG Guidelines, 2015. Collection method: clinical testing. Allele origin: germline.

Labcorp Genetics (formerly Invitae), Labcorp
Classification: Pathogenic. Last evaluated: 2022-04-01. Review status: criteria provided, single submitter. Criteria: Invitae Variant Classification Sherloc (09022015). Collection method: clinical testing. Allele origin: germline.
Comment: For these reasons, this variant has been classified as Pathogenic. This premature translational stop signal has been observed in individual(s) with clinical features of TACO1-related conditions (PMID: 25044680). This variant is present in population databases (rs765093638, gnomAD 0.0009%). ClinVar contains an entry for this variant (Variation ID: 982266). This sequence change creates a premature translational stop signal (p.Arg141*) in the TACO1 gene. It is expected to result in an absent or disrupted protein product. Loss-of-function variants in TACO1 are known to be pathogenic (PMID: 19503089, 25044680).

3billion
Classification: Pathogenic for Mitochondrial complex IV deficiency, nuclear type 8. Last evaluated: 2022-01-03. Review status: criteria provided, single submitter. Criteria: ACMG Guidelines, 2015. Collection method: clinical testing. Allele origin: germline. Affected: yes. Observed: 1 homozygote.
Comment: Stop-gained (nonsense): predicted to result in a loss or disruption of normal protein function through nonsense-mediated decay (NMD) or protein truncation. Multiple pathogenic variants are reported downstream of the variant (PVS1_VS). The variant has been reported to be associated with TACO1 related disorder (ClinVar ID: VCV000982266, PMID:25044680). It is observed at an extremely low frequency in the gnomAD v2.1.1 dataset (total allele frequency: 0.000004, PM2_M). Therefore, this variant is classified as pathogenic according to the recommendation of ACMG/AMP guideline.

OMIM
Classification: Pathogenic for MITOCHONDRIAL COMPLEX IV DEFICIENCY, NUCLEAR TYPE 8. Last evaluated: 2014-10-01. Review status: no assertion criteria provided. Collection method: literature only. Allele origin: germline. Not counted in ClinVar's aggregate classification.

Literature cited by the submitters: PubMed 25044680 (cited by 4 submitters); PubMed 19503089 (cited by Labcorp Genetics (formerly Invitae), Labcorp).